The following is an entry in ClinVar:

ClinVar aggregate classification (germline): Uncertain significance (1 of 4 stars; one submission).

Conditions:
Familial thoracic aortic aneurysm and aortic dissection (TAAD). Also called: Thoracic aortic aneurysms and dissections. Identifiers: Orphanet 91387, MedGen C4707243, MONDO:0019625.

Submission:

Labcorp Genetics (formerly Invitae), Labcorp
Classification: Uncertain significance for Familial thoracic aortic aneurysm and aortic dissection. Last evaluated: 2023-11-22. Review status: criteria provided, single submitter. Criteria: Invitae Variant Classification Sherloc (09022015). Collection method: clinical testing. Allele origin: unknown.
Comment: This variant results in a copy number gain of the genomic region encompassing exon(s) 6-7 of the SMAD3 gene. While the exact position of this variant cannot be determined from the data, sub-genic copy number gains are generally in tandem (PMID: 25640679). This variant is predicted to be in-frame, and likely preserves the integrity of the reading frame. This variant has not been reported in the literature in individuals affected with SMAD3-related conditions. Experimental studies and prediction algorithms are not available or were not evaluated, and the functional significance of this variant is currently unknown. In summary, the available evidence is currently insufficient to determine the role of this variant in disease. Therefore, it has been classified as a Variant of Uncertain Significance.

Literature cited by the submitters: PubMed 25640679.

NC_000015.9:g.(?_67473559)_(67477222_?)dup

Gene: SMAD3 (SMAD family member 3; plus strand). Cytogenetic location: 15q22.33.
Variant type: Duplication.
Identifiers: ClinVar variation 3243830 (VCV003243830.1).